The following is an entry in ClinVar:

ClinVar aggregate classification (germline): Uncertain significance. Review status: criteria provided, multiple submitters, no conflicts (2 of 4 stars). 2 submissions from 2 submitters: Uncertain significance (2). Last evaluated 2025-12-03.

Conditions:
Hereditary cancer-predisposing syndrome. Also called: Tumor predisposition; Hereditary Cancer Syndrome; Hereditary neoplastic syndrome; Neoplastic Syndromes, Hereditary. Identifiers: Orphanet 140162, MedGen C0027672, MeSH D009386, MONDO:0015356.
POLD1-related polyposis and colorectal cancer syndrome (CRCS10). Also called: Colorectal cancer 10; COLORECTAL CANCER, SUSCEPTIBILITY TO, ON CHROMOSOME 19q; Colorectal cancer, susceptibility to, 10. Identifiers: Orphanet 220460, MedGen C2675481, MONDO:0012953, OMIM 612591.

Submissions (2):

Ambry Genetics
Classification: Uncertain significance for Hereditary cancer-predisposing syndrome. Last evaluated: 2025-12-03. Review status: criteria provided, single submitter. Criteria: Ambry Variant Classification Scheme 2023. Collection method: clinical testing. Allele origin: germline.
Comment: The c.971-2A>G intronic variant results from an A to G substitution two nucleotides upstream from coding exon 8 in the POLD1 gene. This nucleotide position is well conserved in available vertebrate species. In silico splice site analysis predicts that this alteration will weaken the native splice acceptor site. Alterations that disrupt the canonical splice site are expected to cause aberrant splicing, resulting in an abnormal protein or a transcript that is subject to nonsense-mediated mRNA decay. However, loss of function has not been established as a mechanism of disease. Based on the available evidence, the clinical significance of this alteration remains unclear.

Labcorp Genetics (formerly Invitae), Labcorp
Classification: Uncertain significance for POLD1-related polyposis and colorectal cancer syndrome. Last evaluated: 2023-11-13. Review status: criteria provided, single submitter. Criteria: Invitae Variant Classification Sherloc (09022015). Collection method: clinical testing. Allele origin: germline.
Comment: This sequence change affects an acceptor splice site in intron 8 of the POLD1 gene. Missense variants that disrupt the 3'-5' exonuclease (proof-reading) activity of the POLD1 protein are associated with PPAP (polymerase proofreading–associated polyposis) (PMID: 23263490, 23447401). However, loss-of-function variants that result in an absent or severely disrupted POLD1 protein, and missense variants outside the exonuclease domain, are unlikely to be associated with PPAP. This variant is not present in population databases (gnomAD no frequency). This variant has not been reported in the literature in individuals affected with POLD1-related conditions. ClinVar contains an entry for this variant (Variation ID: 1017175). Algorithms developed to predict the effect of sequence changes on RNA splicing suggest that this variant may disrupt the consensus splice site. In summary, the available evidence is currently insufficient to determine the role of this variant in disease. Therefore, it has been classified as a Variant of Uncertain Significance.

Literature cited by the submitters: PubMed 23263490 (cited by Labcorp Genetics (formerly Invitae), Labcorp); PubMed 23447401 (cited by Labcorp Genetics (formerly Invitae), Labcorp).

NM_002691.4(POLD1):c.971-2A>G

Gene: POLD1 (DNA polymerase delta 1, catalytic subunit; plus strand). Cytogenetic location: 19q13.33.
Variant type: single nucleotide variant.
Coding change: c.971-2A>G on transcript NM_002691.4 (MANE Select); the canonical splice acceptor site of the intron before coding-DNA position 971, A replaced by G.
Molecular consequence: splice acceptor variant.
Genome position (GRCh38, 1-based): chr19:50,403,051, A>G. VCF-style: chr19-50403051-A-G. GRCh37 (hg19) VCF-style: chr19-50906308-A-G.
Other names: c.971-2A>G (NM_001256849.1, NM_001308632.1, NM_002691.2).
Identifiers: ClinVar variation 1017175 (VCV001017175.10), dbSNP rs2038720724, ClinGen allele CA406977644.
Genomic context (GRCh38, chr19:50,403,051, plus strand): 5'-CCTCCCTGCTGTGTTGGGAGTGAGGGGCAGGAGTCAGGCCCCTGCATCCTCCTGCCTCGC[A>G]GGCATCTTCCCTGAGCCTGAGCGGGACCCTGTCATCCAGATCTGCTCGCTGGGCCTGCGC-3'